The following is an entry in ClinVar:

ClinVar aggregate classification (germline): Uncertain significance (1 of 4 stars; one submission).

Submission:

Labcorp Genetics (formerly Invitae), Labcorp
Classification: Uncertain significance. Last evaluated: 2025-04-21. Review status: criteria provided, single submitter. Criteria: Invitae Variant Classification Sherloc (09022015). Collection method: clinical testing. Allele origin: germline.
Comment: This sequence change replaces alanine, which is neutral and non-polar, with valine, which is neutral and non-polar, at codon 662 of the ATP1A1 protein (p.Ala662Val). The frequency data for this variant in the population databases is considered unreliable, as metrics indicate poor data quality at this position in the gnomAD database. This variant has not been reported in the literature in individuals affected with ATP1A1-related conditions. Invitae Evidence Modeling of protein sequence and biophysical properties (such as structural, functional, and spatial information, amino acid conservation, physicochemical variation, residue mobility, and thermodynamic stability) has been performed for this missense variant. However, the output from this modeling did not meet the statistical confidence thresholds required to predict the impact of this variant on ATP1A1 protein function. In summary, the available evidence is currently insufficient to determine the role of this variant in disease. Therefore, it has been classified as a Variant of Uncertain Significance.

NM_000701.8(ATP1A1):c.1985C>T (p.Ala662Val)

Genes: ATP1A1 (ATPase Na+/K+ transporting subunit alpha 1; plus strand), ATP1A1-AS1 (ATP1A1 antisense RNA 1; minus strand). Cytogenetic location: 1p13.1.
Variant type: single nucleotide variant.
Coding change: c.1985C>T on transcript NM_000701.8 (MANE Select); coding-DNA position 1985, C replaced by T.
Protein change: p.Ala662Val; replaces alanine 662 with valine.
Molecular consequence: missense variant.
Genome position (GRCh38, 1-based): chr1:116,397,899, C>T. VCF-style: chr1-116397899-C-T. GRCh37 (hg19) VCF-style: chr1-116940521-C-T.
Other names: c.1985C>T, p.Ala662Val (NM_001160233.2); c.1892C>T, p.Ala631Val (NM_001160234.2); short protein forms A662V, A631V.
Identifiers: ClinVar variation 4760684 (VCV004760684.1).
Genomic context (GRCh38, chr1:116,397,899, plus strand): 5'-GCTGGTGATGTGATGCGTGACTTTTTTTTTTTTTTTGTCCTAATTCTAGGGATGCCAAGG[C>T]CTGCGTAGTACACGGCAGTGATCTAAAGGACATGACCTCCGAGCAGCTGGATGACATTTT-3'
Protein context (NP_000692.2, residues 652-672): VSQVNPRDAK[Ala662Val]CVVHGSDLKD